The following is an entry in ClinVar:

ClinVar aggregate classification (germline): Uncertain significance (1 of 4 stars; one submission).

Conditions:
FBN2-related disorder. Also called: FBN2-related condition.

Submission:

PreventionGenetics, part of Exact Sciences
Classification: Uncertain significance for FBN2-related condition. Last evaluated: 2023-06-27. Review status: criteria provided, single submitter. Criteria: ACMG Guidelines, 2015. Collection method: clinical testing. Allele origin: germline.
Comment: The FBN2 c.30G>C variant is predicted to result in the amino acid substitution p.Gln10His. To our knowledge, this variant has not been reported in the literature or in a large population database, indicating this variant is rare. At this time, the clinical significance of this variant is uncertain due to the absence of conclusive functional and genetic evidence.

NM_001999.4(FBN2):c.30G>C (p.Gln10His)

Gene: FBN2 (fibrillin 2; minus strand). Cytogenetic location: 5q23.3.
Variant type: single nucleotide variant.
Coding change: c.30G>C on transcript NM_001999.4 (MANE Select); coding-DNA position 30, G replaced by C.
Protein change: p.Gln10His; replaces glutamine 10 with histidine.
Molecular consequence: missense variant.
Genome position (GRCh38, 1-based): chr5:128,537,574, C>G on the plus strand (G>C on the coding strand, the complement: FBN2 is on the minus strand). VCF-style: chr5-128537574-C-G. GRCh37 (hg19) VCF-style: chr5-127873267-C-G.
Other names: short protein forms Q10H.
Identifiers: ClinVar variation 2632966 (VCV002632966.1), dbSNP rs2479828241, ClinGen allele CA360763432.